The following is an entry in ClinVar:

ClinVar aggregate classification (germline): Uncertain significance. Review status: criteria provided, multiple submitters, no conflicts (2 of 4 stars). 2 submissions from 2 submitters: Uncertain significance (2). Last evaluated 2022-08-19.

Submissions (2):

Labcorp Genetics (formerly Invitae), Labcorp
Classification: Uncertain significance. Last evaluated: 2022-08-19. Review status: criteria provided, single submitter. Criteria: Invitae Variant Classification Sherloc (09022015). Collection method: clinical testing. Allele origin: germline.
Comment: In summary, the available evidence is currently insufficient to determine the role of this variant in disease. Therefore, it has been classified as a Variant of Uncertain Significance. Algorithms developed to predict the effect of sequence changes on RNA splicing suggest that this variant may create or strengthen a splice site. Algorithms developed to predict the effect of missense changes on protein structure and function (SIFT, PolyPhen-2, Align-GVGD) all suggest that this variant is likely to be tolerated. This variant has not been reported in the literature in individuals affected with ADAM9-related conditions. This variant is not present in population databases (gnomAD no frequency). This sequence change replaces histidine, which is basic and polar, with leucine, which is neutral and non-polar, at codon 141 of the ADAM9 protein (p.His141Leu).

Blueprint Genetics
Classification: Uncertain significance. Last evaluated: 2020-10-15. Review status: criteria provided, single submitter. Criteria: ACMG Guidelines, 2015. Collection method: clinical testing. Allele origin: germline.

NM_003816.3(ADAM9):c.422A>T (p.His141Leu)

Gene: ADAM9 (ADAM metallopeptidase domain 9; plus strand). Cytogenetic location: 8p11.22.
Variant type: single nucleotide variant.
Coding change: c.422A>T on transcript NM_003816.3 (MANE Select); coding-DNA position 422, A replaced by T.
Protein change: p.His141Leu; replaces histidine 141 with leucine.
Molecular consequence: missense variant. On other transcripts: non-coding transcript variant (3).
Genome position (GRCh38, 1-based): chr8:39,017,230, A>T. VCF-style: chr8-39017230-A-T. GRCh37 (hg19) VCF-style: chr8-38874749-A-T.
Other names: short protein forms H141L.
Identifiers: ClinVar variation 1939879 (VCV001939879.5), dbSNP rs770847465, ClinGen allele CA175205497.